The following is an entry in ClinVar:

NM_152328.5(ADSS1):c.1246G>T (p.Ala416Ser)

Gene: ADSS1 (adenylosuccinate synthase 1; plus strand). Cytogenetic location: 14q32.33.
Variant type: single nucleotide variant.
Coding change: c.1246G>T on transcript NM_152328.5 (MANE Select); coding-DNA position 1246, G replaced by T.
Protein change: p.Ala416Ser; replaces alanine 416 with serine.
Molecular consequence: missense variant.
Genome position (GRCh38, 1-based): chr14:104,746,310, G>T. VCF-style: chr14-104746310-G-T. GRCh37 (hg19) VCF-style: chr14-105212647-G-T.
Other names: c.631G>T, p.Ala211Ser (NM_001320424.1); c.1375G>T, p.Ala459Ser (NM_199165.2); short protein forms A211S, A416S, A459S.
Identifiers: ClinVar variation 1682024 (VCV001682024.4), dbSNP rs542898507, ClinGen allele CA391244949.

ClinVar aggregate classification (germline): Uncertain significance (1 of 4 stars; one submission).

Allele frequency attached by ClinVar (database versions not stated): gnomAD 0.00002.

Submission:

Labcorp Genetics (formerly Invitae), Labcorp
Classification: Uncertain significance. Last evaluated: 2022-06-06. Review status: criteria provided, single submitter. Criteria: Invitae Variant Classification Sherloc (09022015). Collection method: clinical testing. Allele origin: germline.
Comment: This variant is present in population databases (no rsID available, gnomAD 0.002%). In summary, the available evidence is currently insufficient to determine the role of this variant in disease. Therefore, it has been classified as a Variant of Uncertain Significance. Algorithms developed to predict the effect of missense changes on protein structure and function are either unavailable or do not agree on the potential impact of this missense change (SIFT: "Not Available"; PolyPhen-2: "Probably Damaging"; Align-GVGD: "Not Available"). This variant has not been reported in the literature in individuals affected with ADSSL1-related conditions. This sequence change replaces alanine, which is neutral and non-polar, with serine, which is neutral and polar, at codon 459 of the ADSSL1 protein (p.Ala459Ser).